The following is an entry in ClinVar:

NM_000069.3(CACNA1S):c.1550G>A (p.Gly517Asp)

Gene: CACNA1S (calcium voltage-gated channel subunit alpha1 S; minus strand). Cytogenetic location: 1q32.1.
Variant type: single nucleotide variant.
Coding change: c.1550G>A on transcript NM_000069.3 (MANE Select); coding-DNA position 1550, G replaced by A.
Protein change: p.Gly517Asp; replaces glycine 517 with aspartic acid.
Molecular consequence: missense variant.
Genome position (GRCh38, 1-based): chr1:201,077,948, C>T on the plus strand (G>A on the coding strand, the complement: CACNA1S is on the minus strand). VCF-style: chr1-201077948-C-T. GRCh37 (hg19) VCF-style: chr1-201047076-C-T.
Other names: c.1550G>A (NM_000069.2); short protein forms G517D.
Identifiers: ClinVar variation 1392056 (VCV001392056.13), dbSNP rs2102144073, ClinGen allele CA344121441.
Genomic context (GRCh38, chr1:201,077,948, plus strand): 5'-TTGAAGATCCTCAGGAGGCGGATGCAGCGGAGCACGGAGATGCCCAGGGGTGTCATGGCA[C>T]CCGACTCCACCAGCAGGATCTCCAGGATACCGCTACACACCACGAAGCAGTCGAAGCGGT-3'
Protein context (NP_000060.2, residues 507-527): GILEILLVES[Gly517Asp]AMTPLGISVL

ClinVar aggregate classification (germline): Uncertain significance. Review status: criteria provided, multiple submitters, no conflicts (2 of 4 stars). 8 submissions from 5 submitters: Uncertain significance (8). Last evaluated 2024-05-22.

Conditions:
Congenital myopathy 18. Also called: DIHYDROPYRIDINE RECEPTOR CONGENITAL MYOPATHY; DHPR CONGENITAL MYOPATHY; Myopathy, congenital, due to dihydropyridine receptor defect. Identifiers: MedGen C5830283, MONDO:0859514, OMIM 620246.
Thyrotoxic periodic paralysis, susceptibility to, 1 (TTPP1). Identifiers: Orphanet 79102, MedGen C2749982, MONDO:0008570, OMIM 188580.
Hypokalemic periodic paralysis, type 1. Also called: HypoPP; Hypokalemic Periodic Paralysis Type 1 (AD). Identifiers: Orphanet 681, MedGen C3714580, MONDO:0042979, OMIM 170400.
Malignant hyperthermia, susceptibility to, 5 (MHS5). Also called: CACNA1S-Related Malignant Hyperthermia Susceptibility. Identifiers: Orphanet 423, MedGen C1866077, MONDO:0011163, OMIM 601887.
Inborn genetic diseases. Identifiers: MedGen C0950123, MeSH D030342.

Submissions (8):

Women's Health and Genetics/Laboratory Corporation of America, LabCorp
Classification: Uncertain significance. Last evaluated: 2024-05-22. Review status: criteria provided, single submitter. Criteria: LabCorp Variant Classification Summary - May 2015. Collection method: clinical testing. Allele origin: germline.
Comment: Variant summary: CACNA1S c.1550G>A (p.Gly517Asp) results in a non-conservative amino acid change located in the Ion transport domain (IPR005821) of the encoded protein sequence. Three of five in-silico tools predict a benign effect of the variant on protein function. The variant was absent in 251274 control chromosomes (gnomAD). The available data on variant occurrences in the general population are insufficient to allow any conclusion about variant significance. To our knowledge, no occurrence of c.1550G>A in individuals affected with Hypokalemic Periodic Paralysis and no experimental evidence demonstrating its impact on protein function have been reported. ClinVar contains an entry for this variant (Variation ID: 1392056). Based on the evidence outlined above, the variant was classified as uncertain significance.

All of Us Research Program, National Institutes of Health
Classification: Uncertain significance for Malignant hyperthermia, susceptibility to, 5. Last evaluated: 2024-02-22. Review status: criteria provided, single submitter. Criteria: ACMG Guidelines, 2015. Collection method: clinical testing. Allele origin: germline. Inheritance: Autosomal dominant inheritance. Observed: 2 variant alleles, 2 heterozygotes.
Comment: This missense variant replaces glycine with aspartic acid at codon 517 of the CACNA1S protein. Computational prediction suggests that this variant may not impact protein structure and function (internally defined REVEL score threshold <= 0.5, PMID: 27666373). To our knowledge, functional studies have not been reported for this variant. This variant has not been reported in individuals affected with CACNA1S-related disorders in the literature. This variant has not been identified in the general population by the Genome Aggregation Database (gnomAD). The available evidence is insufficient to determine the role of this variant in disease conclusively. Therefore, this variant is classified as a Variant of Uncertain Significance.

This study involves interpretation of variants in research participants for the purpose of population health screening. Participant phenotype was not available at the time of variant classification. Additional details can be found in publication PMID: 35346344, PMCID: PMC8962531

Genome-Nilou Lab
Classification: Uncertain significance for Malignant hyperthermia, susceptibility to, 5. Last evaluated: 2023-04-11. Review status: criteria provided, single submitter. Criteria: ACMG Guidelines, 2015. Collection method: clinical testing. Allele origin: germline. Affected: no.

Genome-Nilou Lab
Classification: Uncertain significance for Thyrotoxic periodic paralysis, susceptibility to, 1. Last evaluated: 2023-04-11. Review status: criteria provided, single submitter. Criteria: ACMG Guidelines, 2015. Collection method: clinical testing. Allele origin: germline. Affected: no.

Genome-Nilou Lab
Classification: Uncertain significance for Congenital myopathy 18. Last evaluated: 2023-04-11. Review status: criteria provided, single submitter. Criteria: ACMG Guidelines, 2015. Collection method: clinical testing. Allele origin: germline. Affected: no.

Genome-Nilou Lab
Classification: Uncertain significance for Hypokalemic periodic paralysis, type 1. Last evaluated: 2023-04-11. Review status: criteria provided, single submitter. Criteria: ACMG Guidelines, 2015. Collection method: clinical testing. Allele origin: germline. Affected: no.

Labcorp Genetics (formerly Invitae), Labcorp
Classification: Uncertain significance for Hypokalemic periodic paralysis, type 1; Malignant hyperthermia, susceptibility to, 5. Last evaluated: 2022-07-11. Review status: criteria provided, single submitter. Criteria: Invitae Variant Classification Sherloc (09022015). Collection method: clinical testing. Allele origin: germline.
Comment: ClinVar contains an entry for this variant (Variation ID: 1392056). This variant has not been reported in the literature in individuals affected with CACNA1S-related conditions. This variant is not present in population databases (gnomAD no frequency). This sequence change replaces glycine, which is neutral and non-polar, with aspartic acid, which is acidic and polar, at codon 517 of the CACNA1S protein (p.Gly517Asp). In summary, the available evidence is currently insufficient to determine the role of this variant in disease. Therefore, it has been classified as a Variant of Uncertain Significance. Advanced modeling of protein sequence and biophysical properties (such as structural, functional, and spatial information, amino acid conservation, physicochemical variation, residue mobility, and thermodynamic stability) performed at Invitae indicates that this missense variant is not expected to disrupt CACNA1S protein function.

Ambry Genetics
Classification: Uncertain significance for Inborn genetic diseases. Last evaluated: 2021-07-14. Review status: criteria provided, single submitter. Criteria: Ambry Variant Classification Scheme 2023. Collection method: clinical testing. Allele origin: germline.